The following is an entry in ClinVar:

ClinVar aggregate classification (germline): Pathogenic (1 of 4 stars; one submission).

Conditions:
Familial intrahepatic cholestasis. Identifiers: Orphanet 284385, MedGen CN296401, MONDO:0017290.

Submission:

Genomenon, Inc
Classification: Pathogenic for Familial intrahepatic cholestasis. Last evaluated: 2026-04-14. Review status: criteria provided, single submitter. Criteria: Genomenon Sequence Variant Interpretation Standards - Updated. Collection method: curation. Allele origin: germline. Affected: yes.
Comment: ABCB11 p.Lys318ArgfsTer33 (c.953_954del) is a frameshift variant that results in the production of a truncated protein which is predicted to undergo nonsense-mediated mRNA decay. This variant has been observed in at least one proband with an ABCB11-related disorder (PMID:27932171). It is absent or not present at a significant frequency in gnomAD. In conclusion, we classify ABCB11 p.Lys318ArgfsTer33 (c.953_954del) as a pathogenic variant.

Literature cited by the submitters: PubMed 27932171.

NM_003742.4(ABCB11):c.953_954del (p.Lys318fs)

Gene: ABCB11 (ATP binding cassette subfamily B member 11; minus strand). Cytogenetic location: 2q31.1.
Variant type: Deletion.
Coding change: c.953_954del on transcript NM_003742.4 (MANE Select); coding-DNA positions 953 to 954, 2 bases deleted (AA; older notation c.953_954delAA).
Protein change: p.Lys318fs; shifts the reading frame from lysine 318.
Molecular consequence: frameshift variant.
Genome position (GRCh38, 1-based): chr2:168,986,239-168,986,240, TT deleted on the plus strand (AA on the coding strand, the reverse complement: ABCB11 is on the minus strand); deleting any 2 consecutive bases within chr2:168,986,239-168,986,242 gives the same sequence; the c. name uses the placement nearest the transcript's 3' end. VCF-style (leftmost placement, unchanged base first): chr2-168986238-CTT-C. GRCh37 (hg19) VCF-style: chr2-169842748-CTT-C.
Other names: short protein forms K318fs.
Identifiers: ClinVar variation 4846066 (VCV004846066.1).
Genomic context (GRCh38, chr2:168,986,238, plus strand): 5'-GTGCATAACACAAAAAGATGAGACACCACACGAATCCAGTAAAGAATCCCATCACTATTC[CTT>C]TTCTAATTCCCCAACGCTGGGCGAACACAAGATTTTTCTCATACCTGTGAAGACAAAATG-3'